The following is an entry in ClinVar:

ClinVar aggregate classification (germline): Conflicting classifications of pathogenicity. Review status: criteria provided, conflicting classifications (1 of 4 stars). 4 submissions from 4 submitters: Uncertain significance (3); Likely benign (1). Last evaluated 2025-06-11.

Conditions:
Hereditary cancer-predisposing syndrome. Also called: Tumor predisposition; Hereditary Cancer Syndrome; Hereditary neoplastic syndrome; Neoplastic Syndromes, Hereditary. Identifiers: Orphanet 140162, MedGen C0027672, MeSH D009386, MONDO:0015356.
Hereditary breast ovarian cancer syndrome. Also called: Hereditary breast and ovarian cancer; Hereditary breast and ovarian cancer syndrome; Breast and ovarian cancer; BRCA1- and BRCA2-Associated Hereditary Breast and Ovarian Cancer; Hereditary breast and/or ovarian cancer syndrome; Hereditary breast and ovarian cancer syndrome (HBOC). Identifiers: Orphanet 145, MedGen C0677776, MeSH D061325, MONDO:0003582. Disease mechanism: loss of function.

Submissions (4):

Color Diagnostics, LLC DBA Color Health
Classification: Uncertain significance for Hereditary cancer-predisposing syndrome. Last evaluated: 2025-06-11. Review status: criteria provided, single submitter. Criteria: ACMG Guidelines, 2015. Collection method: clinical testing. Allele origin: germline.
Comment: This missense variant replaces isoleucine with threonine at codon 2033 of the BRCA2 protein. Computational prediction suggests that this variant may not impact protein structure and function. To our knowledge, functional studies have not been reported for this variant. This variant has been reported in one individual affected with breast cancer (PMID: 32438681). This variant has not been identified in the general population by the Genome Aggregation Database (gnomAD). The available evidence is insufficient to determine the role of this variant in disease conclusively. Therefore, this variant is classified as a Variant of Uncertain Significance.

Labcorp Genetics (formerly Invitae), Labcorp
Classification: Uncertain significance for Hereditary breast ovarian cancer syndrome. Last evaluated: 2025-04-29. Review status: criteria provided, single submitter. Criteria: Invitae Variant Classification Sherloc (09022015). Collection method: clinical testing. Allele origin: germline.
Comment: This sequence change replaces isoleucine, which is neutral and non-polar, with threonine, which is neutral and polar, at codon 2033 of the BRCA2 protein (p.Ile2033Thr). This variant is not present in population databases (gnomAD no frequency). This missense change has been observed in individual(s) with breast and/or ovarian cancer (PMID: 32438681). ClinVar contains an entry for this variant (Variation ID: 1441804). Invitae Evidence Modeling of protein sequence and biophysical properties (such as structural, functional, and spatial information, amino acid conservation, physicochemical variation, residue mobility, and thermodynamic stability) indicates that this missense variant is not expected to disrupt BRCA2 protein function with a negative predictive value of 95%. In summary, the available evidence is currently insufficient to determine the role of this variant in disease. Therefore, it has been classified as a Variant of Uncertain Significance.

University of Washington Department of Laboratory Medicine, University of Washington
Classification: Likely benign for Hereditary cancer-predisposing syndrome. Last evaluated: 2023-03-23. Review status: criteria provided, single submitter. Criteria: Dines et al. (Genet Med. 2020). Collection method: curation. Allele origin: germline.
Comment: Missense variant in a coldspot region where missense variants are very unlikely to be pathogenic (PMID:31911673).

BRCA2 exon 11 coldspot. Reclassification based on statistical prior probability.

Ambry Genetics
Classification: Uncertain significance for Hereditary cancer-predisposing syndrome. Last evaluated: 2021-07-23. Review status: criteria provided, single submitter. Criteria: Ambry Variant Classification Scheme 2023. Collection method: clinical testing. Allele origin: germline.
Comment: The p.I2033T variant (also known as c.6098T>C), located in coding exon 10 of the BRCA2 gene, results from a T to C substitution at nucleotide position 6098. The isoleucine at codon 2033 is replaced by threonine, an amino acid with similar properties. This amino acid position is not well conserved in available vertebrate species. In addition, this alteration is predicted to be tolerated by in silico analysis. Since supporting evidence is limited at this time, the clinical significance of this alteration remains unclear.

Literature cited by the submitters: PubMed 32438681 (cited by 3 submitters).

NM_000059.4(BRCA2):c.6098T>C (p.Ile2033Thr)

Gene: BRCA2 (BRCA2 DNA repair associated; plus strand). Cytogenetic location: 13q13.1.
Variant type: single nucleotide variant.
Coding change: c.6098T>C on transcript NM_000059.4 (MANE Select); coding-DNA position 6098, T replaced by C.
Protein change: p.Ile2033Thr; replaces isoleucine 2033 with threonine.
Molecular consequence: missense variant.
Genome position (GRCh38, 1-based): chr13:32,340,453, T>C. VCF-style: chr13-32340453-T-C. GRCh37 (hg19) VCF-style: chr13-32914590-T-C.
Other names: short protein forms I2033T.
Identifiers: ClinVar variation 1441804 (VCV001441804.13), dbSNP rs398122548, ClinGen allele CA387788084.